The following is an entry in ClinVar:

NM_000069.3(CACNA1S):c.2142C>A (p.Ile714=)

Gene: CACNA1S (calcium voltage-gated channel subunit alpha1 S; minus strand). Cytogenetic location: 1q32.1.
Variant type: single nucleotide variant.
Coding change: c.2142C>A on transcript NM_000069.3 (MANE Select); coding-DNA position 2142, C replaced by A.
Protein change: p.Ile714=; no amino-acid change (isoleucine 714 retained).
Molecular consequence: synonymous variant.
Genome position (GRCh38, 1-based): chr1:201,073,564, G>T on the plus strand (C>A on the coding strand, the complement: CACNA1S is on the minus strand). VCF-style: chr1-201073564-G-T. GRCh37 (hg19) VCF-style: chr1-201042692-G-T.
Identifiers: ClinVar variation 391306 (VCV000391306.4), dbSNP rs1057524027, ClinGen allele CA16603520.

ClinVar aggregate classification (germline): Likely benign. Review status: criteria provided, multiple submitters, no conflicts (2 of 4 stars). 2 submissions from 2 submitters: Likely benign (2). Last evaluated 2023-05-24.

Conditions:
Hypokalemic periodic paralysis, type 1. Also called: Hypokalemic Periodic Paralysis Type 1 (AD); HypoPP. Identifiers: Orphanet 681, MedGen C3714580, MONDO:0042979, OMIM 170400.
Malignant hyperthermia, susceptibility to, 5 (MHS5). Also called: CACNA1S-Related Malignant Hyperthermia Susceptibility. Identifiers: Orphanet 423, MedGen C1866077, MONDO:0011163, OMIM 601887.

Allele frequency attached by ClinVar (database versions not stated): gnomAD exomes below 0.00001; gnomAD 0.00001.
gnomAD v4.1: 5 of 1,613,838 alleles (0.00031%); highest among the groups gnomAD compares: Admixed American, 0.0033%; no homozygotes.

Submissions (2):

Labcorp Genetics (formerly Invitae), Labcorp
Classification: Likely benign for Hypokalemic periodic paralysis, type 1; Malignant hyperthermia, susceptibility to, 5. Last evaluated: 2023-05-24. Review status: criteria provided, single submitter. Criteria: Invitae Variant Classification Sherloc (09022015). Collection method: clinical testing. Allele origin: germline.

GeneDx
Classification: Likely benign. Last evaluated: 2016-12-07. Review status: criteria provided, single submitter. Criteria: GeneDx Variant Classification (06012015). Collection method: clinical testing. Allele origin: germline. Affected: yes.
Comment: This variant is considered likely benign or benign based on one or more of the following criteria: it is a conservative change, it occurs at a poorly conserved position in the protein, it is predicted to be benign by multiple in silico algorithms, and/or has population frequency not consistent with disease.